The following is an entry in ClinVar:

NM_014283.5(SUCO):c.70A>G (p.Ser24Gly)

Gene: SUCO (SUN domain containing ossification factor; plus strand). Cytogenetic location: 1q24.3.
Variant type: single nucleotide variant.
Coding change: c.70A>G on transcript NM_014283.5 (MANE Select); coding-DNA position 70, A replaced by G.
Protein change: p.Ser24Gly; replaces serine 24 with glycine.
Molecular consequence: missense variant. On other transcripts: 5 prime UTR variant (1).
Genome position (GRCh38, 1-based): chr1:172,551,519, A>G. VCF-style: chr1-172551519-A-G. GRCh37 (hg19) VCF-style: chr1-172520659-A-G.
Other names: c.70A>G, p.Ser24Gly (NM_001282750.2); c.-1460A>G (NM_001282751.2); c.655A>G, p.Ser219Gly (NM_016227.4); short protein forms S219G, S24G.
Identifiers: ClinVar variation 4797581 (VCV004797581.1).
Genomic context (GRCh38, chr1:172,551,519, plus strand): 5'-CTTTCTTTCTCTTTCTCTTTTTCTGTTTGTTGGTGGTGGTGGGTGTTTTACAGGCTTCCC[A>G]GCTGGCGTGTATGTTGTAAAGAGAGTTCTTCAGCTTCAGCGTCATCATATTACTCTCAAG-3'
Protein context (NP_055098.1, residues 14-34): LFLCSLVWLP[Ser24Gly]WRVCCKESSS

ClinVar aggregate classification (germline): Uncertain significance (1 of 4 stars; one submission).

gnomAD v4.1: 3 of 1,598,798 alleles (0.00019%); highest among the groups gnomAD compares: Non-Finnish European, 0.00017%; no homozygotes.

Submission:

Labcorp Genetics (formerly Invitae), Labcorp
Classification: Uncertain significance. Last evaluated: 2025-11-27. Review status: criteria provided, single submitter. Criteria: Invitae Variant Classification Sherloc (09022015). Collection method: clinical testing. Allele origin: germline.
Comment: This sequence change replaces serine, which is neutral and polar, with glycine, which is neutral and non-polar, at codon 24 of the SUCO protein (p.Ser24Gly). The frequency data for this variant in the population databases is considered unreliable, as metrics indicate poor data quality at this position in the gnomAD database. This variant has not been reported in the literature in individuals affected with SUCO-related conditions. An algorithm developed to predict the effect of missense changes on protein structure and function (PolyPhen-2) suggests that this variant is likely to be tolerated. In summary, the available evidence is currently insufficient to determine the role of this variant in disease. Therefore, it has been classified as a Variant of Uncertain Significance.